The following is an entry in ClinVar:

NM_006734.4(HIVEP2):c.4769G>A (p.Gly1590Glu)

Gene: HIVEP2 (HIVEP zinc finger 2; minus strand). Cytogenetic location: 6q24.2.
Variant type: single nucleotide variant.
Coding change: c.4769G>A on transcript NM_006734.4 (MANE Select); coding-DNA position 4769, G replaced by A.
Protein change: p.Gly1590Glu; replaces glycine 1590 with glutamic acid.
Molecular consequence: missense variant.
Genome position (GRCh38, 1-based): chr6:142,769,970, C>T on the plus strand (G>A on the coding strand, the complement: HIVEP2 is on the minus strand). VCF-style: chr6-142769970-C-T. GRCh37 (hg19) VCF-style: chr6-143091107-C-T.
Other names: short protein forms G1590E.
Identifiers: ClinVar variation 3708033 (VCV003708033.2).

ClinVar aggregate classification (germline): Uncertain significance (1 of 4 stars; one submission).

gnomAD v4.1: 1 of 1,614,106 alleles (0.000062%); highest among the groups gnomAD compares: East Asian, 0.0022%; no homozygotes.

Submission:

Labcorp Genetics (formerly Invitae), Labcorp
Classification: Uncertain significance. Last evaluated: 2024-10-06. Review status: criteria provided, single submitter. Criteria: Invitae Variant Classification Sherloc (09022015). Collection method: clinical testing. Allele origin: germline.
Comment: This sequence change replaces glycine, which is neutral and non-polar, with glutamic acid, which is acidic and polar, at codon 1590 of the HIVEP2 protein (p.Gly1590Glu). This variant is not present in population databases (gnomAD no frequency). This variant has not been reported in the literature in individuals affected with HIVEP2-related conditions. Invitae Evidence Modeling of protein sequence and biophysical properties (such as structural, functional, and spatial information, amino acid conservation, physicochemical variation, residue mobility, and thermodynamic stability) indicates that this missense variant is not expected to disrupt HIVEP2 protein function with a negative predictive value of 80%. In summary, the available evidence is currently insufficient to determine the role of this variant in disease. Therefore, it has been classified as a Variant of Uncertain Significance.